The following is an entry in ClinVar:

ClinVar aggregate classification (germline): Conflicting classifications of pathogenicity. Review status: criteria provided, conflicting classifications (1 of 4 stars). 2 submissions from 2 submitters: Uncertain significance (1); Likely benign (1). Last evaluated 2026-01-17.

Allele frequency attached by ClinVar (database versions not stated): TOPMed 0.00003; gnomAD 0.00005; ESP Exome Variant Server 0.00008; ExAC 0.00015.
gnomAD v4.1: 141 of 1,612,392 alleles (0.0087%); highest among the groups gnomAD compares: South Asian, 0.07%; no homozygotes.

Submissions (2):

Labcorp Genetics (formerly Invitae), Labcorp
Classification: Likely benign. Last evaluated: 2026-01-17. Review status: criteria provided, single submitter. Criteria: Invitae Variant Classification Sherloc (09022015). Collection method: clinical testing. Allele origin: germline.

GeneDx
Classification: Uncertain significance. Last evaluated: 2024-06-05. Review status: criteria provided, single submitter. Criteria: GeneDx Variant Classification Process June 2021. Collection method: clinical testing. Allele origin: germline. Affected: yes.
Comment: In silico analysis supports that this missense variant has a deleterious effect on protein structure/function; Has not been previously published as pathogenic or benign to our knowledge

NM_194248.3(OTOF):c.2926G>A (p.Asp976Asn)

Gene: OTOF (otoferlin; minus strand). Cytogenetic location: 2p23.3.
Variant type: single nucleotide variant.
Coding change: c.2926G>A on transcript NM_194248.3 (MANE Select); coding-DNA position 2926, G replaced by A.
Protein change: p.Asp976Asn; replaces aspartic acid 976 with asparagine.
Molecular consequence: missense variant.
Genome position (GRCh38, 1-based): chr2:26,475,979, C>T on the plus strand (G>A on the coding strand, the complement: OTOF is on the minus strand). VCF-style: chr2-26475979-C-T. GRCh37 (hg19) VCF-style: chr2-26698847-C-T.
Other names: c.2926G>A, p.Asp976Asn (NM_001287489.2); c.685G>A, p.Asp229Asn (NM_004802.4, NM_194323.3); c.856G>A, p.Asp286Asn (NM_194322.3); short protein forms D229N, D286N, D976N.
Identifiers: ClinVar variation 2419697 (VCV002419697.7), dbSNP rs148042715, ClinGen allele CA1563723.